The following is an entry in ClinVar:

NM_000237.3(LPL):c.355del (p.Glu119fs)

Gene: LPL (lipoprotein lipase; plus strand). Cytogenetic location: 8p21.3.
Variant type: Deletion.
Coding change: c.355del on transcript NM_000237.3 (MANE Select); coding-DNA position 355, one base deleted (G; older notation c.355delG).
Protein change: p.Glu119fs; shifts the reading frame from glutamic acid 119.
Molecular consequence: frameshift variant.
Genome position (GRCh38, 1-based): chr8:19,951,874, G deleted; the last of 2 consecutive G bases (chr8:19,951,873-19,951,874); deleting either gives the same sequence. VCF-style (leftmost placement, unchanged base first): chr8-19951872-AG-A. GRCh37 (hg19) VCF-style: chr8-19809383-AG-A.
Other names: short protein forms E119fs.
Identifiers: ClinVar variation 1455355 (VCV001455355.6), dbSNP rs2128837699, ClinGen allele CA2573142629.
Genomic context (GRCh38, chr8:19,951,872, plus strand): 5'-CCCTGTACAAGAGAGAACCAGACTCCAATGTCATTGTGGTGGACTGGCTGTCACGGGCTC[AG>A]GAGCATTACCCAGTGTCCGCGGGCTACACCAAACTGGTGGGACAGGATGTGGCCCGGTTT-3'

ClinVar aggregate classification (germline): Pathogenic (1 of 4 stars; one submission).

Submission:

Labcorp Genetics (formerly Invitae), Labcorp
Classification: Pathogenic. Last evaluated: 2024-01-22. Review status: criteria provided, single submitter. Criteria: Invitae Variant Classification Sherloc (09022015). Collection method: clinical testing. Allele origin: germline.
Comment: This sequence change creates a premature translational stop signal (p.Glu119Serfs*53) in the LPL gene. It is expected to result in an absent or disrupted protein product. Loss-of-function variants in LPL are known to be pathogenic (PMID: 11334614). This variant is not present in population databases (gnomAD no frequency). This variant has not been reported in the literature in individuals affected with LPL-related conditions. ClinVar contains an entry for this variant (Variation ID: 1455355). For these reasons, this variant has been classified as Pathogenic.

Literature cited by the submitters: PubMed 11334614.